The following is an entry in ClinVar:

NM_001009944.3(PKD1):c.4958A>C (p.Gln1653Pro)

Gene: PKD1 (polycystin 1, transient receptor potential channel interacting; minus strand). Cytogenetic location: 16p13.3.
Variant type: single nucleotide variant.
Coding change: c.4958A>C on transcript NM_001009944.3 (MANE Select); coding-DNA position 4958, A replaced by C.
Protein change: p.Gln1653Pro; replaces glutamine 1653 with proline.
Molecular consequence: missense variant.
Genome position (GRCh38, 1-based): chr16:2,110,209, T>G on the plus strand (A>C on the coding strand, the complement: PKD1 is on the minus strand). VCF-style: chr16-2110209-T-G. GRCh37 (hg19) VCF-style: chr16-2160210-T-G.
Other names: c.4958A>C, p.Gln1653Pro (NM_000296.4); short protein forms Q1653P.
Identifiers: ClinVar variation 5020013 (VCV005020013.1).

ClinVar aggregate classification (germline): Uncertain significance (1 of 4 stars; one submission).

Conditions:
Polycystic kidney disease, adult type (PKD1). Also called: POLYCYSTIC KIDNEY DISEASE 1 WITH OR WITHOUT POLYCYSTIC LIVER DISEASE; POLYCYSTIC KIDNEY DISEASE, ADULT, TYPE I; Polycystic Kidney Disease 1, Autosomal Dominant; Polycystic kidney disease 1; Polycystic kidney disease 1, severe; Polycystic Kidney, Autosomal Dominant. Identifiers: MedGen C3149841, MONDO:0008263, OMIM 173900.

Submission:

Juno Genomics, Hangzhou Juno Genomics, Inc
Classification: Uncertain significance for Polycystic kidney disease, adult type. Review status: criteria provided, single submitter. Criteria: ACMG Guidelines, 2015. Collection method: clinical testing. Allele origin: germline. Affected: yes.
Comment: Absent from controls (or at extremely low frequency if recessive) in Genome Aggregation Database.;Patient's phenotype or family history is highly specific for a disease with a single genetic etiology.